The following is an entry in ClinVar:

ClinVar aggregate classification (germline): Uncertain significance (1 of 4 stars; one submission).

Conditions:
Hereditary cancer-predisposing syndrome. Also called: Neoplastic Syndromes, Hereditary; Tumor predisposition; Hereditary Cancer Syndrome; Hereditary neoplastic syndrome. Identifiers: Orphanet 140162, MedGen C0027672, MeSH D009386, MONDO:0015356.

Submission:

Ambry Genetics
Classification: Uncertain significance for Hereditary cancer-predisposing syndrome. Last evaluated: 2026-05-01. Review status: criteria provided, single submitter. Criteria: Ambry Variant Classification Scheme 2023. Collection method: clinical testing. Allele origin: germline.
Comment: The p.C591* variant (also known as c.1773C>A), located in coding exon 15 of the EGFR gene, results from a C to A substitution at nucleotide position 1773. This changes the amino acid from a cysteine to a stop codon within coding exon 15. This alteration is expected to result in loss of function by premature protein truncation or nonsense-mediated mRNA decay. Although biallelic loss of function of EGFR are known to cause EGFR-related neonatal inflammatory skin and bowel disease, such associations with EGFR-related lung cancer have not been reported. Based on the supporting evidence, this variant is expected to be causative of EGFR-related neonatal inflammatory skin and bowel disease when present along with a second pathogenic variant on the other allele; however, its clinical significance for EGFR-related lung cancer is unclear.

NM_005228.5(EGFR):c.1773C>A (p.Cys591Ter)

Gene: EGFR (epidermal growth factor receptor; plus strand). Cytogenetic location: 7p11.2.
Variant type: single nucleotide variant.
Coding change: c.1773C>A on transcript NM_005228.5 (MANE Select); coding-DNA position 1773, C replaced by A.
Protein change: p.Cys591Ter; replaces cysteine 591 with a stop codon.
Molecular consequence: nonsense.
Genome position (GRCh38, 1-based): chr7:55,165,330, C>A. VCF-style: chr7-55165330-C-A. GRCh37 (hg19) VCF-style: chr7-55233023-C-A.
Other names: c.972C>A, p.Cys324Ter (NM_001346941.2); c.1773C>A, p.Cys591Ter (NM_201282.2, NM_201284.2, NM_001346898.2); c.1638C>A, p.Cys546Ter (NM_001346897.2, NM_001346899.2); c.1614C>A, p.Cys538Ter (NM_001346900.2); short protein forms C324*, C538*, C546*, C591*.
Identifiers: ClinVar variation 4870258 (VCV004870258.1).